The following is an entry in ClinVar:

ClinVar aggregate classification (germline): Uncertain significance. Review status: criteria provided, multiple submitters, no conflicts (2 of 4 stars). 2 submissions from 2 submitters: Uncertain significance (2). Last evaluated 2026-01-27.

Conditions:
Hereditary cancer-predisposing syndrome. Also called: Tumor predisposition; Hereditary neoplastic syndrome; Neoplastic Syndromes, Hereditary; Hereditary Cancer Syndrome. Identifiers: Orphanet 140162, MedGen C0027672, MeSH D009386, MONDO:0015356.
Mitochondrial complex II deficiency, nuclear type 1. Also called: SUCCINATE CoQ REDUCTASE DEFICIENCY. Identifiers: Orphanet 3208, MedGen C5700310, MONDO:0100294, OMIM 252011.
Pheochromocytoma/paraganglioma syndrome 5. Also called: Paragangliomas 5; SDHA-Related Hereditary Paraganglioma-Pheochromocytoma Syndrome. Identifiers: Orphanet 29072, MedGen C3279992, MONDO:0013602, OMIM 614165.

Allele frequency attached by ClinVar (database versions not stated): gnomAD exomes 0.00001.

Submissions (2):

Labcorp Genetics (formerly Invitae), Labcorp
Classification: Uncertain significance for Pheochromocytoma/paraganglioma syndrome 5; Mitochondrial complex II deficiency, nuclear type 1. Last evaluated: 2026-01-27. Review status: criteria provided, single submitter. Criteria: Invitae Variant Classification Sherloc (09022015). Collection method: clinical testing. Allele origin: germline.
Comment: This sequence change replaces isoleucine, which is neutral and non-polar, with valine, which is neutral and non-polar, at codon 389 of the SDHA protein (p.Ile389Val). This variant is present in population databases (no rsID available, gnomAD 0.01%). This variant has not been reported in the literature in individuals affected with SDHA-related conditions. ClinVar contains an entry for this variant (Variation ID: 1035003). Invitae Evidence Modeling of protein sequence and biophysical properties (such as structural, functional, and spatial information, amino acid conservation, physicochemical variation, residue mobility, and thermodynamic stability) indicates that this missense variant is not expected to disrupt SDHA protein function with a negative predictive value of 95%. In summary, the available evidence is currently insufficient to determine the role of this variant in disease. Therefore, it has been classified as a Variant of Uncertain Significance.

Ambry Genetics
Classification: Uncertain significance for Hereditary cancer-predisposing syndrome. Last evaluated: 2025-06-12. Review status: criteria provided, single submitter. Criteria: Ambry Variant Classification Scheme 2023. Collection method: clinical testing. Allele origin: germline.
Comment: The p.I389V variant (also known as c.1165A>G), located in coding exon 9 of the SDHA gene, results from an A to G substitution at nucleotide position 1165. The isoleucine at codon 389 is replaced by valine, an amino acid with highly similar properties. This amino acid position is highly conserved in available vertebrate species. In addition, this alteration is predicted to be tolerated by in silico analysis. Based on the available evidence, the clinical significance of this variant remains unclear.

NM_004168.4(SDHA):c.1165A>G (p.Ile389Val)

Gene: SDHA (succinate dehydrogenase complex flavoprotein subunit A; plus strand). Cytogenetic location: 5p15.33.
Variant type: single nucleotide variant.
Coding change: c.1165A>G on transcript NM_004168.4 (MANE Select); coding-DNA position 1165, A replaced by G.
Protein change: p.Ile389Val; replaces isoleucine 389 with valine.
Molecular consequence: missense variant.
Genome position (GRCh38, 1-based): chr5:235,244, A>G. VCF-style: chr5-235244-A-G. GRCh37 (hg19) VCF-style: chr5-235359-A-G.
Other names: c.1021A>G, p.Ile341Val (NM_001294332.2); c.1165A>G, p.Ile389Val (NM_001330758.2); short protein forms I341V, I389V.
Identifiers: ClinVar variation 1035003 (VCV001035003.10), dbSNP rs1316310818, ClinGen allele CA359013586.